The following is an entry in ClinVar:

ClinVar aggregate classification (germline): Uncertain significance. Review status: criteria provided, multiple submitters, no conflicts (2 of 4 stars). 4 submissions from 4 submitters: Uncertain significance (2). 2 of the submissions do not count toward it. Last evaluated 2025-10-24.

Conditions:
Retinitis pigmentosa 4 (RP4). Also called: RETINITIS PIGMENTOSA, RHODOPSIN-RELATED. Identifiers: Orphanet 791, MedGen C3151001, MONDO:0013395, OMIM 613731.
Retinal dystrophy. Also called: Inherited retinal dystrophy. Identifiers: Orphanet 71862, MedGen C0854723, MeSH D058499, MONDO:0019118, HP:0000556.

Allele frequency attached by ClinVar (database versions not stated): gnomAD 0.00004 and 0.00005; gnomAD exomes 0.00004 and 0.00008; ExAC 0.00005; TOPMed 0.00006.
gnomAD v4.1: 120 of 1,614,134 alleles (0.0074%); highest among the groups gnomAD compares: Non-Finnish European, 0.0092%; no homozygotes.

Submissions (4):

Labcorp Genetics (formerly Invitae), Labcorp
Classification: Uncertain significance. Last evaluated: 2025-10-24. Review status: criteria provided, single submitter. Criteria: Invitae Variant Classification Sherloc (09022015). Collection method: clinical testing. Allele origin: germline.
Comment: This sequence change replaces tyrosine, which is neutral and polar, with histidine, which is basic and polar, at codon 60 of the RHO protein (p.Tyr60His). This variant is present in population databases (rs771007146, gnomAD 0.01%). This missense change has been observed in individual(s) with retinitis pigmentosa (internal data). ClinVar contains an entry for this variant (Variation ID: 625298). Invitae Evidence Modeling of protein sequence and biophysical properties (such as structural, functional, and spatial information, amino acid conservation, physicochemical variation, residue mobility, and thermodynamic stability) has been performed for this missense variant. However, the output from this modeling did not meet the statistical confidence thresholds required to predict the impact of this variant on RHO protein function. In summary, the available evidence is currently insufficient to determine the role of this variant in disease. Therefore, it has been classified as a Variant of Uncertain Significance.

Blueprint Genetics
Classification: Uncertain significance. Last evaluated: 2022-09-05. Review status: criteria provided, single submitter. Criteria: ACMG Guidelines, 2015. Collection method: clinical testing. Allele origin: germline.

Institute of Human Genetics, Univ. Regensburg, Univ. Regensburg
Classification: Uncertain significance for Retinal dystrophy. Last evaluated: 2022-01-01. Review status: no assertion criteria provided. Criteria: ACMG Guidelines, 2015. Collection method: clinical testing. Allele origin: germline. Affected: yes. Not counted in ClinVar's aggregate classification.

Ocular Genomics Institute, Massachusetts Eye and Ear
Classification: Uncertain significance for Retinitis pigmentosa 4. Last evaluated: 2019-01-09. Review status: no assertion criteria provided. Collection method: research. Allele origin: germline. Affected: yes. Not counted in ClinVar's aggregate classification.

NM_000539.3(RHO):c.178T>C (p.Tyr60His)

Gene: RHO (rhodopsin; plus strand). Cytogenetic location: 3q22.1.
Variant type: single nucleotide variant.
Coding change: c.178T>C on transcript NM_000539.3 (MANE Select); coding-DNA position 178, T replaced by C.
Protein change: p.Tyr60His; replaces tyrosine 60 with histidine.
Molecular consequence: missense variant.
Genome position (GRCh38, 1-based): chr3:129,528,911, T>C. VCF-style: chr3-129528911-T-C. GRCh37 (hg19) VCF-style: chr3-129247754-T-C.
Other names: short protein forms Y60H.
Identifiers: ClinVar variation 625298 (VCV000625298.7), dbSNP rs771007146, ClinGen allele CA2607077.